The following is an entry in ClinVar:

NM_000395.3(CSF2RB):c.1984dup (p.Ala662fs)

Gene: CSF2RB (colony stimulating factor 2 receptor subunit beta; plus strand). Cytogenetic location: 22q12.3.
Variant type: Duplication.
Coding change: c.1984dup on transcript NM_000395.3 (MANE Select); coding-DNA position 1984, one base duplicated (G; older notation c.1984dupG).
Protein change: p.Ala662fs; shifts the reading frame from alanine 662.
Molecular consequence: frameshift variant.
Genome position (GRCh38, 1-based): chr22:36,937,792, G duplicated; the last of 5 consecutive G bases (chr22:36,937,788-36,937,792); duplicating any one gives the same sequence. VCF-style (leftmost placement, unchanged base first): chr22-36937787-A-AG. GRCh37 (hg19) VCF-style: chr22-37333829-A-AG.
Other names: c.2002dup, p.Ala668Glyfs (NM_001410827.1); short protein forms A662fs.
Identifiers: ClinVar variation 2086879 (VCV002086879.4), dbSNP rs2518009406, ClinGen allele CA2580099771.

ClinVar aggregate classification (germline): Uncertain significance (1 of 4 stars; one submission).

Submission:

Labcorp Genetics (formerly Invitae), Labcorp
Classification: Uncertain significance. Last evaluated: 2022-07-26. Review status: criteria provided, single submitter. Criteria: Invitae Variant Classification Sherloc (09022015). Collection method: clinical testing. Allele origin: germline.
Comment: This sequence change creates a premature translational stop signal (p.Ala662Glyfs*42) in the CSF2RB gene. While this is not anticipated to result in nonsense mediated decay, it is expected to disrupt the last 236 amino acid(s) of the CSF2RB protein. This variant is not present in population databases (gnomAD no frequency). This variant has not been reported in the literature in individuals affected with CSF2RB-related conditions. Experimental studies and prediction algorithms are not available or were not evaluated, and the functional significance of this variant is currently unknown. In summary, the available evidence is currently insufficient to determine the role of this variant in disease. Therefore, it has been classified as a Variant of Uncertain Significance.